The following is an entry in ClinVar:

NM_001394062.1(MACF1):c.19516G>A (p.Asp6506Asn)

Gene: MACF1 (microtubule actin crosslinking factor 1; plus strand). Cytogenetic location: 1p34.3.
Variant type: single nucleotide variant.
Coding change: c.19516G>A on transcript NM_001394062.1 (MANE Select); coding-DNA position 19516, G replaced by A.
Protein change: p.Asp6506Asn; replaces aspartic acid 6506 with asparagine.
Molecular consequence: missense variant.
Genome position (GRCh38, 1-based): chr1:39,444,746, G>A. VCF-style: chr1-39444746-G-A. GRCh37 (hg19) VCF-style: chr1-39910418-G-A.
Other names: c.7594G>A, p.Asp2532Asn (NM_001397473.1); c.13339G>A, p.Asp4447Asn (NM_012090.5); short protein forms D2532N, D6506N, D4447N.
Identifiers: ClinVar variation 2213140 (VCV002213140.3), dbSNP rs376583802, ClinGen allele CA784150.

ClinVar aggregate classification (germline): Conflicting classifications of pathogenicity. Review status: criteria provided, conflicting classifications (1 of 4 stars). 2 submissions from 2 submitters: Uncertain significance (1); Likely benign (1). Last evaluated 2026-04-13.

Conditions:
MACF1-related disorder. Also called: MACF1-related condition.
Inborn genetic diseases. Identifiers: MedGen C0950123, MeSH D030342.

Allele frequency attached by ClinVar (database versions not stated): TOPMed 0.00005; ESP Exome Variant Server 0.00008; ExAC 0.00016; gnomAD 0.00005; gnomAD exomes 0.00005.
gnomAD v4.1: 80 of 1,614,014 alleles (0.005%); highest among the groups gnomAD compares: Non-Finnish European, 0.0056%; 1 homozygote.

Submissions (2):

PreventionGenetics, part of Exact Sciences
Classification: Uncertain significance for MACF1-related condition. Last evaluated: 2026-04-13. Review status: criteria provided, single submitter. Criteria: ACMG Guidelines, 2015. Collection method: clinical testing. Allele origin: germline.
Comment: The MACF1 c.13339G>A variant is predicted to result in the amino acid substitution p.Asp4447Asn. To our knowledge, this variant has not been reported in the literature. This variant is reported in 0.016% of alleles in individuals of European (Non-Finnish) descent in gnomAD. Although we suspect that this variant may be benign, at this time, the clinical significance of this variant is uncertain due to the absence of conclusive functional and genetic evidence.

Ambry Genetics
Classification: Likely benign for Inborn genetic diseases. Last evaluated: 2022-12-16. Review status: criteria provided, single submitter. Criteria: Ambry Variant Classification Scheme 2023. Collection method: clinical testing. Allele origin: germline.